The following is an entry in ClinVar:

NM_001382391.1(CSPP1):c.593C>T (p.Thr198Ile)

Gene: CSPP1 (centrosome and spindle pole associated protein 1; plus strand). Cytogenetic location: 8q13.1.
Variant type: single nucleotide variant.
Coding change: c.593C>T on transcript NM_001382391.1 (MANE Select); coding-DNA position 593, C replaced by T.
Protein change: p.Thr198Ile; replaces threonine 198 with isoleucine.
Molecular consequence: missense variant. On other transcripts: 5 prime UTR variant (1).
Genome position (GRCh38, 1-based): chr8:67,095,402, C>T. VCF-style: chr8-67095402-C-T. GRCh37 (hg19) VCF-style: chr8-68007637-C-T.
Other names: c.-263C>T (NM_001291339.2); c.512C>T, p.Thr171Ile (NM_001363131.2, NM_001363133.2); c.593C>T, p.Thr198Ile (NM_001363132.2); c.701C>T, p.Thr234Ile (NM_001364869.1); c.620C>T, p.Thr207Ile (NM_001364870.1, NM_001438330.1, NM_001438331.1 and 2 more transcripts); short protein forms T171I, T207I, T198I, T234I.
Identifiers: ClinVar variation 4731980 (VCV004731980.1).

ClinVar aggregate classification (germline): Uncertain significance (1 of 4 stars; one submission).

Conditions:
Joubert syndrome 21 (JBTS21). Identifiers: MedGen C3810212, MONDO:0014288, OMIM 615636.

Submission:

Labcorp Genetics (formerly Invitae), Labcorp
Classification: Uncertain significance for Joubert syndrome 21. Last evaluated: 2025-12-06. Review status: criteria provided, single submitter. Criteria: Invitae Variant Classification Sherloc (09022015). Collection method: clinical testing. Allele origin: germline.
Comment: This sequence change replaces threonine, which is neutral and polar, with isoleucine, which is neutral and non-polar, at codon 207 of the CSPP1 protein (p.Thr207Ile). This variant is not present in population databases (gnomAD no frequency). This variant has not been reported in the literature in individuals affected with CSPP1-related conditions. An algorithm developed to predict the effect of missense changes on protein structure and function outputs the following: PolyPhen-2: "Benign". The isoleucine amino acid residue is found in multiple mammalian species, which suggests that this missense change does not adversely affect protein function. In summary, the available evidence is currently insufficient to determine the role of this variant in disease. Therefore, it has been classified as a Variant of Uncertain Significance.